The following is an entry in ClinVar:

NM_000747.3(CHRNB1):c.611-1G>C

Gene: CHRNB1 (cholinergic receptor nicotinic beta 1 subunit; plus strand). Cytogenetic location: 17p13.1.
Variant type: single nucleotide variant.
Coding change: c.611-1G>C on transcript NM_000747.3 (MANE Select); the canonical splice acceptor site of the intron before coding-DNA position 611, G replaced by C.
Molecular consequence: splice acceptor variant.
Genome position (GRCh38, 1-based): chr17:7,448,578, G>C. VCF-style: chr17-7448578-G-C. GRCh37 (hg19) VCF-style: chr17-7351897-G-C.
Identifiers: ClinVar variation 2144433 (VCV002144433.4), dbSNP rs2507858296, ClinGen allele CA397793614.

ClinVar aggregate classification (germline): Likely pathogenic (1 of 4 stars; one submission).

Conditions:
Congenital myasthenic syndrome 2A. Also called: Myasthenic syndrome, congenital, 2a, slow-channel. Identifiers: Orphanet 590, MedGen C4225374, MONDO:0014581, OMIM 616313.

Submission:

Labcorp Genetics (formerly Invitae), Labcorp
Classification: Likely pathogenic for Congenital myasthenic syndrome 2A. Last evaluated: 2022-02-20. Review status: criteria provided, single submitter. Criteria: Invitae Variant Classification Sherloc (09022015). Collection method: clinical testing. Allele origin: germline.
Comment: This variant has not been reported in the literature in individuals affected with CHRNB1-related conditions. Algorithms developed to predict the effect of sequence changes on RNA splicing suggest that this variant may disrupt the consensus splice site. In summary, the currently available evidence indicates that the variant is pathogenic, but additional data are needed to prove that conclusively. Therefore, this variant has been classified as Likely Pathogenic. This sequence change affects an acceptor splice site in intron 6 of the CHRNB1 gene. It is expected to disrupt RNA splicing. Variants that disrupt the donor or acceptor splice site typically lead to a loss of protein function (PMID: 16199547), and loss-of-function variants in CHRNB1 are known to be pathogenic (PMID: 10562302). This variant is not present in population databases (gnomAD no frequency).

Literature cited by the submitters: PubMed 16199547; PubMed 10562302.